The following is an entry in ClinVar:

ClinVar aggregate classification (germline): Uncertain significance. Review status: criteria provided, multiple submitters, no conflicts (2 of 4 stars). 2 submissions from 2 submitters: Uncertain significance (2). Last evaluated 2023-02-02.

Conditions:
Hereditary nonpolyposis colorectal neoplasms. Identifiers: MedGen C0009405, MeSH D003123.
Lynch syndrome. Identifiers: Orphanet 144, MedGen C4552100, MONDO:0005835. Disease mechanism: loss of function.

Submissions (2):

Labcorp Genetics (formerly Invitae), Labcorp
Classification: Uncertain significance for Hereditary nonpolyposis colorectal neoplasms. Last evaluated: 2023-02-02. Review status: criteria provided, single submitter. Criteria: Invitae Variant Classification Sherloc (09022015). Collection method: clinical testing. Allele origin: germline.
Comment: This variant, c.3264_3266del, results in the deletion of 1 amino acid(s) of the MSH6 protein (p.Phe1088del), but otherwise preserves the integrity of the reading frame. This variant is not present in population databases (gnomAD no frequency). This variant has not been reported in the literature in individuals affected with MSH6-related conditions. ClinVar contains an entry for this variant (Variation ID: 410468). Experimental studies and prediction algorithms are not available or were not evaluated, and the functional significance of this variant is currently unknown. In summary, the available evidence is currently insufficient to determine the role of this variant in disease. Therefore, it has been classified as a Variant of Uncertain Significance.

Excellence Center for Genomics and Precision Medicine, King Chulalongkorn Memorial Hospital and Chulalongkorn University, Chulalongkorn University
Classification: Uncertain significance for Lynch syndrome. Review status: criteria provided, single submitter. Criteria: ACMG Guidelines, 2015. Collection method: clinical testing. Allele origin: de novo. Inheritance: Autosomal dominant inheritance. Affected: yes. Observed: 1 heterozygote.
Comment: Based on ACMG criteria, this variant was classified as VUS according to PM2 (extremely low frequency in gnomAD population databases) and PM4 (inframe deletion in a non-repetitive region) criteria.

NM_000179.3(MSH6):c.3261CTT[1] (p.Phe1088del)

Gene: MSH6 (mutS homolog 6; plus strand). Cytogenetic location: 2p16.3.
Variant type: Microsatellite.
Coding change: c.3261CTT[1] on transcript NM_000179.3 (MANE Select); one copy of the 3-base unit CTT starting at c.3261; the reference has two copies in a row; one copy, 3 bases deleted.
Protein change: p.Phe1088del; deletes phenylalanine 1088.
Molecular consequence: inframe deletion.
Genome position (GRCh38, 1-based): chr2:47,803,511-47,803,513, CTT deleted; deleting any 3 consecutive bases within chr2:47,803,508-47,803,513 gives the same sequence; the position shown is the placement nearest the transcript's 3' end. VCF-style (leftmost placement, unchanged base first): chr2-47803507-CCTT-C. GRCh37 (hg19) VCF-style: chr2-48030646-CCTT-C.
Other names: c.2871CTT[1], p.Phe958del (NM_001281492.2); c.2355CTT[1], p.Phe786del (NM_001281493.2, NM_001281494.2); c.3264_3266delCTT (NM_000179.2); short protein forms F1088del, F958del, F786del.
Identifiers: ClinVar variation 410468 (VCV000410468.10), dbSNP rs1060502917, ClinGen allele CA16611043.